The following is an entry in ClinVar:

NM_022370.4(ROBO3):c.1524C>T (p.Ile508=)

Gene: ROBO3 (roundabout guidance receptor 3; plus strand). Cytogenetic location: 11q24.2.
Variant type: single nucleotide variant.
Coding change: c.1524C>T on transcript NM_022370.4 (MANE Select); coding-DNA position 1524, C replaced by T.
Protein change: p.Ile508=; no amino-acid change (isoleucine 508 retained).
Molecular consequence: synonymous variant.
Genome position (GRCh38, 1-based): chr11:124,873,077, C>T. VCF-style: chr11-124873077-C-T. GRCh37 (hg19) VCF-style: chr11-124742973-C-T.
Identifiers: ClinVar variation 3026017 (VCV003026017.22), dbSNP rs1462471172, ClinGen allele CA477693799.

ClinVar aggregate classification (germline): Likely benign (1 of 4 stars; one submission).

Allele frequency attached by ClinVar (database versions not stated): gnomAD 0.00001; gnomAD exomes 0.00001; TOPMed 0.00001.
gnomAD v4.1: 13 of 1,613,112 alleles (0.00081%); highest among the groups gnomAD compares: South Asian, 0.0033%; no homozygotes.

Submission:

CeGaT Center for Human Genetics Tuebingen
Classification: Likely benign. Last evaluated: 2024-02-01. Review status: criteria provided, single submitter. Criteria: CeGaT Center For Human Genetics Tuebingen Variant Classification Criteria Version 2. Collection method: clinical testing. Allele origin: germline. Affected: yes. Observed: 1 variant allele.
Comment: ROBO3: BP4, BP7